The following is an entry in ClinVar:

NM_001042463.3(TMEM80):c.78C>T (p.Ser26=)

Genes: DEAF1 (DEAF1 transcription factor; minus strand), TMEM80 (transmembrane protein 80; plus strand). Cytogenetic location: 11p15.5.
Variant type: single nucleotide variant.
Coding change: c.78C>T on transcript NM_001042463.3 (MANE Select); coding-DNA position 78, C replaced by T.
Protein change: p.Ser26=; no amino-acid change (serine 26 retained).
Molecular consequence: synonymous variant. On other transcripts: intron variant (1).
Genome position (GRCh38, 1-based): chr11:700,180, C>T. VCF-style: chr11-700180-C-T. GRCh37 (hg19) VCF-style: chr11-700180-C-T.
Other names: c.78C>T, p.Ser26= (NM_001276253.2, NM_001276274.2); c.129C>T, p.Ser43= (NM_001384408.1); c.18C>T, p.Ser6= (NM_174940.4); c.-438+6392G>A (NM_001367390.1).
Identifiers: ClinVar variation 3770775 (VCV003770775.13).

ClinVar aggregate classification (germline): Likely benign (1 of 4 stars; one submission).

gnomAD v4.1: 460 of 1,614,130 alleles (0.028%); highest among the groups gnomAD compares: African/African-American, 0.42%; 1 homozygote.

Submission:

CeGaT Center for Human Genetics Tuebingen
Classification: Likely benign. Last evaluated: 2024-12-01. Review status: criteria provided, single submitter. Criteria: CeGaT Center For Human Genetics Tuebingen Variant Classification Criteria Version 2. Collection method: clinical testing. Allele origin: germline. Affected: yes. Observed: 1 variant allele.
Comment: TMEM80: BP4, BP7